The following is an entry in ClinVar:

ClinVar aggregate classification (germline): Uncertain significance. Review status: criteria provided, multiple submitters, no conflicts (2 of 4 stars). 2 submissions from 2 submitters: Uncertain significance (2). Last evaluated 2023-05-18.

Conditions:
Hereditary cancer-predisposing syndrome. Also called: Neoplastic Syndromes, Hereditary; Tumor predisposition; Hereditary neoplastic syndrome; Hereditary Cancer Syndrome. Identifiers: Orphanet 140162, MedGen C0027672, MeSH D009386, MONDO:0015356.
Oligodontia-cancer predisposition syndrome. Also called: TOOTH AGENESIS-COLORECTAL CANCER SYNDROME. Identifiers: Orphanet 300576, MedGen C1837750, MONDO:0012075, OMIM 608615. Disease mechanism: loss of function.

Submissions (2):

Labcorp Genetics (formerly Invitae), Labcorp
Classification: Uncertain significance for Oligodontia-cancer predisposition syndrome. Last evaluated: 2023-05-18. Review status: criteria provided, single submitter. Criteria: Invitae Variant Classification Sherloc (09022015). Collection method: clinical testing. Allele origin: germline.
Comment: In summary, the available evidence is currently insufficient to determine the role of this variant in disease. Therefore, it has been classified as a Variant of Uncertain Significance. Advanced modeling of protein sequence and biophysical properties (such as structural, functional, and spatial information, amino acid conservation, physicochemical variation, residue mobility, and thermodynamic stability) performed at Invitae indicates that this missense variant is not expected to disrupt AXIN2 protein function. This variant has not been reported in the literature in individuals affected with AXIN2-related conditions. This variant is not present in population databases (gnomAD no frequency). This sequence change replaces alanine, which is neutral and non-polar, with threonine, which is neutral and polar, at codon 700 of the AXIN2 protein (p.Ala700Thr).

Ambry Genetics
Classification: Uncertain significance for Hereditary cancer-predisposing syndrome. Last evaluated: 2023-01-01. Review status: criteria provided, single submitter. Criteria: Ambry Variant Classification Scheme 2023. Collection method: clinical testing. Allele origin: germline.
Comment: The p.A700T variant (also known as c.2098G>A), located in coding exon 7 of the AXIN2 gene, results from a G to A substitution at nucleotide position 2098. The alanine at codon 700 is replaced by threonine, an amino acid with similar properties. This amino acid position is conserved. In addition, the in silico prediction for this alteration is inconclusive. Since supporting evidence is limited at this time, the clinical significance of this alteration remains unclear.

NM_004655.4(AXIN2):c.2098G>A (p.Ala700Thr)

Gene: AXIN2 (axin 2; minus strand). Cytogenetic location: 17q24.1.
Variant type: single nucleotide variant.
Coding change: c.2098G>A on transcript NM_004655.4 (MANE Select); coding-DNA position 2098, G replaced by A.
Protein change: p.Ala700Thr; replaces alanine 700 with threonine.
Molecular consequence: missense variant.
Genome position (GRCh38, 1-based): chr17:65,536,363, C>T on the plus strand (G>A on the coding strand, the complement: AXIN2 is on the minus strand). VCF-style: chr17-65536363-C-T. GRCh37 (hg19) VCF-style: chr17-63532481-C-T.
Other names: c.1903G>A, p.Ala635Thr (NM_001363813.1); short protein forms A635T, A700T.
Identifiers: ClinVar variation 2715082 (VCV002715082.4), dbSNP rs2144439888, ClinGen allele CA400675991.
Genomic context (GRCh38, chr17:65,536,363, plus strand): 5'-CCTTCACTTCCACTCACCGCTGCTTTGGGGGCTTCGACACCTCAGCTAGCCTGCGACAGG[C>T]CTCCTCCAGCTGAGCCAGCGTGTTGGGTGGGGTCAGGGGAGGCATCGCAGGGTCCTGGGT-3'
Protein context (NP_004646.3, residues 690-710): PPNTLAQLEE[Ala700Thr]CRRLAEVSKP